The following is an entry in ClinVar:

NM_003722.5(TP63):c.84T>G (p.His28Gln)

Gene: TP63 (tumor protein p63; plus strand). Cytogenetic location: 3q28.
Variant type: single nucleotide variant.
Coding change: c.84T>G on transcript NM_003722.5 (MANE Select); coding-DNA position 84, T replaced by G.
Protein change: p.His28Gln; replaces histidine 28 with glutamine.
Molecular consequence: missense variant.
Genome position (GRCh38, 1-based): chr3:189,737,761, T>G. VCF-style: chr3-189737761-T-G. GRCh37 (hg19) VCF-style: chr3-189455550-T-G.
Other names: c.84T>G, p.His28Gln (NM_001114978.2, NM_001114979.2, NM_001329144.2 and 1 more transcripts); c.78T>G, p.His26Gln (NM_001329964.2); short protein forms H26Q, H28Q.
Identifiers: ClinVar variation 725955 (VCV000725955.12), dbSNP rs370716448, ClinGen allele CA2752022.

ClinVar aggregate classification (germline): Conflicting classifications of pathogenicity. Review status: criteria provided, conflicting classifications (1 of 4 stars). 5 submissions from 3 submitters: Uncertain significance (1); Benign (1); Likely benign (3). Last evaluated 2024-11-27.

Conditions:
TP63-Related Spectrum Disorders.
ADULT syndrome. Also called: Acro-Dermo-Ungual-Lacrimal-Tooth Syndrome (ADULT Syndrome); ACRO-DERMATO-UNGUAL-LACRIMAL-TOOTH SYNDROME; Acro-dermato-ungual-lacrimal-tooth (adult) syndrome. Identifiers: Orphanet 978, MedGen C1863204, MONDO:0007072, OMIM 103285.
Ankyloblepharon-ectodermal defects-cleft lip/palate syndrome. Also called: AEC SYNDROME; HAY-WELLS SYNDROME; Hay-Wells syndrome of ectodermal dysplasia; Ankyloblepharon-Ectodermal Defects-Cleft Lip/Palate Syndrome (AEC Syndrome); Ankyloblepharon-ectodermal defects, cleft lip/palate. Identifiers: Orphanet 1071, MedGen C0406709, MONDO:0007124, OMIM 106260.
Limb-mammary syndrome (LMS). Also called: Mammary hypoplasia, ectrodactyly, and other hand/foot anomalies. Identifiers: Orphanet 69085, MedGen C1863753, MONDO:0011334, OMIM 603543.
Orofacial cleft 8. Also called: Cleft lip with or without cleft palate, nonsyndromic, 8. Identifiers: MedGen C1851878, MONDO:0029145, OMIM 618149.
Ectrodactyly, ectodermal dysplasia, and cleft lip-palate syndrome 3. Also called: EEC SYNDROME 3; Ectrodactyly, Ectodermal Dysplasia, Clefting Syndrome; Ectrodactyly, Ectodermal Dysplasia, Clefting Syndrome Type 3 (EEC3); Ectrodactyly, Ectodermal Dysplasia, Cleft Lip/Palate Syndrome 3 (EEC3). Identifiers: Orphanet 1896, MedGen C1858562, MONDO:0011428, OMIM 604292.
Premature ovarian failure 21 (POF21). Identifiers: MedGen C5830399, MONDO:0957216, OMIM 620311.
Rapp-Hodgkin syndrome (RHS). Also called: ECTODERMAL DYSPLASIA, ANHIDROTIC, WITH CLEFT LIP/PALATE; Rapp-Hodgkin ectodermal dysplasia syndrome; Isolated Cleft Lip/Cleft Palate (Orofacial Cleft 8). Identifiers: MedGen C1785148, MONDO:0007508, OMIM 129400.
Split hand-foot malformation 4. Also called: Split-Hand/Foot Malformation Type 4 (SHFM4 syndrome); Split-Hand/Foot Malformation Type 4 (SHFM4). Identifiers: Orphanet 2440, MedGen C1854442, MONDO:0011535, OMIM 605289.

Allele frequency attached by ClinVar (database versions not stated): TOPMed 0.00006; ESP Exome Variant Server 0.00008; gnomAD 0.00009 and 0.00008; ExAC 0.00004.
gnomAD v4.1: 109 of 1,613,864 alleles (0.0068%); highest among the groups gnomAD compares: Non-Finnish European, 0.0086%; no homozygotes.

Submissions (5):

Labcorp Genetics (formerly Invitae), Labcorp
Classification: Benign. Last evaluated: 2024-11-27. Review status: criteria provided, single submitter. Criteria: Invitae Variant Classification Sherloc (09022015). Collection method: clinical testing. Allele origin: germline.

Fulgent Genetics
Classification: Likely benign for ADULT syndrome; Ankyloblepharon-ectodermal defects-cleft lip/palate syndrome; Rapp-Hodgkin syndrome; Limb-mammary syndrome; Ectrodactyly, ectodermal dysplasia, and cleft lip-palate syndrome 3; Split hand-foot malformation 4; Orofacial cleft 8; Premature ovarian failure 21. Last evaluated: 2024-05-06. Review status: criteria provided, single submitter. Criteria: ACMG Guidelines, 2015. Collection method: clinical testing. Allele origin: germline.

Illumina Laboratory Services, Illumina
Classification: Uncertain significance for Orofacial cleft 8. Last evaluated: 2018-01-13. Review status: criteria provided, single submitter. Criteria: ICSL Variant Classification Criteria 13 December 2019. Collection method: clinical testing. Allele origin: germline.

Illumina Laboratory Services, Illumina
Classification: Likely benign for Ectrodactyly, ectodermal dysplasia, and cleft lip-palate syndrome 3. Last evaluated: 2018-01-13. Review status: criteria provided, single submitter. Criteria: ICSL Variant Classification Criteria 13 December 2019. Collection method: clinical testing. Allele origin: germline.
Comment: This variant was observed in the ICSL laboratory as part of a predisposition screen in an ostensibly healthy population. It had not been previously curated by ICSL or reported in the Human Gene Mutation Database (HGMD: prior to June 1st, 2018), and was therefore a candidate for classification through an automated scoring system. Utilizing variant allele frequency, disease prevalence and penetrance estimates, and inheritance mode, an automated score was calculated to assess if this variant is too frequent to cause the disease. Based on the score and internal cut-off values, a variant classified as likely benign is not then subjected to further curation. The score for this variant resulted in a classification of likely benign for this disease.

Illumina Laboratory Services, Illumina
Classification: Likely benign for TP63-Related Spectrum Disorders. Last evaluated: 2018-01-13. Review status: criteria provided, single submitter. Criteria: ICSL Variant Classification Criteria 13 December 2019. Collection method: clinical testing. Allele origin: germline.
Comment: the same text as in the submission from Illumina Laboratory Services, Illumina above.